The following is an entry in ClinVar:

NM_000263.4(NAGLU):c.827C>T (p.Ser276Phe)

Gene: NAGLU (N-acetyl-alpha-glucosaminidase; plus strand). Cytogenetic location: 17q21.2.
Variant type: single nucleotide variant.
Coding change: c.827C>T on transcript NM_000263.4 (MANE Select); coding-DNA position 827, C replaced by T.
Protein change: p.Ser276Phe; replaces serine 276 with phenylalanine.
Molecular consequence: missense variant.
Genome position (GRCh38, 1-based): chr17:42,541,012, C>T. VCF-style: chr17-42541012-C-T. GRCh37 (hg19) VCF-style: chr17-40693030-C-T.
Other names: short protein forms S276F.
Identifiers: ClinVar variation 941782 (VCV000941782.7), dbSNP rs769713129, ClinGen allele CA8576881.

ClinVar aggregate classification (germline): Uncertain significance (1 of 4 stars; one submission).

Conditions:
Mucopolysaccharidosis, MPS-III-B (MPS3B). Also called: MUCOPOLYSACCHARIDOSIS, TYPE IIIB; N-ACETYL-ALPHA-D-GLUCOSAMINIDASE DEFICIENCY; NAGLU DEFICIENCY; SANFILIPPO SYNDROME B; MPS III B; Mucopolysaccharidosis type IIIB (Sanfilippo B). Identifiers: Orphanet 79270, MedGen C0086648, MONDO:0009656, OMIM 252920.
Charcot-Marie-Tooth disease axonal type 2V. Also called: CHARCOT-MARIE-TOOTH NEUROPATHY, TYPE 2V; CHARCOT-MARIE-TOOTH DISEASE, AXONAL, AUTOSOMAL DOMINANT, TYPE 2V. Identifiers: Orphanet 447964, MedGen C5569050, MONDO:0014665, OMIM 616491.

Allele frequency attached by ClinVar (database versions not stated): gnomAD 0.00001; gnomAD exomes below 0.00001; TOPMed 0.00001; ExAC 0.00001.

Submission:

Labcorp Genetics (formerly Invitae), Labcorp
Classification: Uncertain significance for Charcot-Marie-Tooth disease axonal type 2V; Mucopolysaccharidosis, MPS-III-B. Last evaluated: 2021-08-12. Review status: criteria provided, single submitter. Criteria: Invitae Variant Classification Sherloc (09022015). Collection method: clinical testing. Allele origin: germline.
Comment: This sequence change replaces serine with phenylalanine at codon 276 of the NAGLU protein (p.Ser276Phe). The serine residue is moderately conserved and there is a large physicochemical difference between serine and phenylalanine. This variant is present in population databases (rs769713129, ExAC 0.001%). This missense change has been observed in individual(s) with clinical features of NAGLU-related conditions (Invitae). Algorithms developed to predict the effect of missense changes on protein structure and function are either unavailable or do not agree on the potential impact of this missense change (SIFT: "Tolerated"; PolyPhen-2: "Probably Damaging"; Align-GVGD: "Class C0"). Experimental studies have shown that this missense change affects NAGLU function (PMID: 29979746). In summary, the available evidence is currently insufficient to determine the role of this variant in disease. Therefore, it has been classified as a Variant of Uncertain Significance.

Literature cited by the submitters: PubMed 29979746.